The following is an entry in ClinVar:

ClinVar aggregate classification (germline): Uncertain significance (1 of 4 stars; one submission).

Conditions:
Neuroocular syndrome 1 (NOC1). Identifiers: Orphanet 659904, MedGen C5925133, MONDO:0971007, OMIM 619539.

Submission:

Laboratorio de Genetica e Diagnostico Molecular, Hospital Israelita Albert Einstein
Classification: Uncertain significance for Neuroocular syndrome 1. Last evaluated: 2025-02-07. Review status: criteria provided, single submitter. Criteria: ACMG Guidelines, 2015. Collection method: clinical testing. Allele origin: germline. Affected: yes.
Comment: ACMG classification criteria: PM2 supporting, BP4 supporting

NM_020719.3(PRR12):c.2212A>G (p.Thr738Ala)

Gene: PRR12 (proline rich 12; plus strand). Cytogenetic location: 19q13.33.
Variant type: single nucleotide variant.
Coding change: c.2212A>G on transcript NM_020719.3 (MANE Select); coding-DNA position 2212, A replaced by G.
Protein change: p.Thr738Ala; replaces threonine 738 with alanine.
Molecular consequence: missense variant.
Genome position (GRCh38, 1-based): chr19:49,596,547, A>G. VCF-style: chr19-49596547-A-G. GRCh37 (hg19) VCF-style: chr19-50099804-A-G.
Other names: short protein forms T738A.
Identifiers: ClinVar variation 4076213 (VCV004076213.1).